The following is an entry in ClinVar:

NM_001201543.2(FAM161A):c.183G>A (p.Ser61=)

Genes: FAM161A (FAM161 centrosomal protein A; minus strand), LOC129933843 (ATAC-STARR-seq lymphoblastoid active region 15839; plus strand). Cytogenetic location: 2p15.
Variant type: single nucleotide variant.
Coding change: c.183G>A on transcript NM_001201543.2 (MANE Select); coding-DNA position 183, G replaced by A.
Protein change: p.Ser61=; no amino-acid change (serine 61 retained).
Molecular consequence: synonymous variant. On other transcripts: non-coding transcript variant (1).
Genome position (GRCh38, 1-based): chr2:61,853,859, C>T on the plus strand (G>A on the coding strand, the complement: FAM161A is on the minus strand). VCF-style: chr2-61853859-C-T. GRCh37 (hg19) VCF-style: chr2-62080994-C-T.
Other names: c.183G>A, p.Ser61= (NM_032180.3).
Identifiers: ClinVar variation 935957 (VCV000935957.6), dbSNP rs773490021, ClinGen allele CA426212403.

ClinVar aggregate classification (germline): Uncertain significance (1 of 4 stars; one submission).

Allele frequency attached by ClinVar (database versions not stated): TOPMed 0.00001.
gnomAD v4.1: 3 of 1,613,916 alleles (0.00019%); highest among the groups gnomAD compares: Admixed American, 0.0017%; no homozygotes.

Submission:

Labcorp Genetics (formerly Invitae), Labcorp
Classification: Uncertain significance. Last evaluated: 2022-01-12. Review status: criteria provided, single submitter. Criteria: Invitae Variant Classification Sherloc (09022015). Collection method: clinical testing. Allele origin: germline.
Comment: In summary, the available evidence is currently insufficient to determine the role of this variant in disease. Therefore, it has been classified as a Variant of Uncertain Significance. Variants that disrupt the consensus splice site are a relatively common cause of aberrant splicing (PMID: 17576681, 9536098). Algorithms developed to predict the effect of sequence changes on RNA splicing suggest that this variant may disrupt the consensus splice site. ClinVar contains an entry for this variant (Variation ID: 935957). This variant has not been reported in the literature in individuals affected with FAM161A-related conditions. The frequency data for this variant in the population databases is considered unreliable, as metrics indicate poor data quality at this position in the gnomAD database. This sequence change affects codon 61 of the FAM161A mRNA. It is a 'silent' change, meaning that it does not change the encoded amino acid sequence of the FAM161A protein. This variant also falls at the last nucleotide of exon 1, which is part of the consensus splice site for this exon.

Literature cited by the submitters: PubMed 17576681; PubMed 9536098.